The following is an entry in ClinVar:

ClinVar aggregate classification (germline): Conflicting classifications of pathogenicity. Review status: criteria provided, conflicting classifications (1 of 4 stars). 2 submissions from 2 submitters: Uncertain significance (1); Likely benign (1). Last evaluated 2025-05-27.

Conditions:
Ullrich congenital muscular dystrophy 2 (UCMD2). Identifiers: Orphanet 75840, MedGen C4225314, MONDO:0014654, OMIM 616470.
Bethlem myopathy 2 (BTHLM2). Identifiers: Orphanet 536516, Orphanet 610, MedGen C4225313, MONDO:0034022, OMIM 616471.

Allele frequency attached by ClinVar (database versions not stated): gnomAD exomes 0.00001 and 0.00002; gnomAD 0.00005; ExAC 0.00002; TOPMed 0.00004; ESP Exome Variant Server 0.00008.
gnomAD v4.1: 35 of 1,608,514 alleles (0.0022%); highest among the groups gnomAD compares: African/African-American, 0.008%; no homozygotes.

Submissions (2):

Labcorp Genetics (formerly Invitae), Labcorp
Classification: Likely benign for Bethlem myopathy 2; Ullrich congenital muscular dystrophy 2. Last evaluated: 2025-05-27. Review status: criteria provided, single submitter. Criteria: Invitae Variant Classification Sherloc (09022015). Collection method: clinical testing. Allele origin: germline.

GeneDx
Classification: Uncertain significance. Last evaluated: 2020-01-27. Review status: criteria provided, single submitter. Criteria: GeneDx Variant Classification Process June 2021. Collection method: clinical testing. Allele origin: germline. Affected: yes.
Comment: Has not been previously published as pathogenic or benign to our knowledge; In silico analysis, which includes protein predictors and evolutionary conservation, supports that this variant does not alter protein structure/function

NM_004370.6(COL12A1):c.110A>G (p.Asp37Gly)

Gene: COL12A1 (collagen type XII alpha 1 chain; minus strand). Cytogenetic location: 6q13.
Variant type: single nucleotide variant.
Coding change: c.110A>G on transcript NM_004370.6 (MANE Select); coding-DNA position 110, A replaced by G.
Protein change: p.Asp37Gly; replaces aspartic acid 37 with glycine.
Molecular consequence: missense variant. On other transcripts: intron variant (1).
Genome position (GRCh38, 1-based): chr6:75,194,911, T>C on the plus strand (A>G on the coding strand, the complement: COL12A1 is on the minus strand). VCF-style: chr6-75194911-T-C. GRCh37 (hg19) VCF-style: chr6-75904627-T-C.
Other names: c.73+7809A>G (NM_080645.3); short protein forms D37G.
Identifiers: ClinVar variation 658672 (VCV000658672.10), dbSNP rs374757163, ClinGen allele CA3894514.